The following is an entry in ClinVar:

NM_001048174.2(MUTYH):c.317A>T (p.Glu106Val)

Gene: MUTYH (mutY DNA glycosylase; minus strand). Cytogenetic location: 1p34.1.
Variant type: single nucleotide variant.
Coding change: c.317A>T on transcript NM_001048174.2 (MANE Select); coding-DNA position 317, A replaced by T.
Protein change: p.Glu106Val; replaces glutamic acid 106 with valine.
Molecular consequence: missense variant. On other transcripts: non-coding transcript variant (1), intron variant (2).
Genome position (GRCh38, 1-based): chr1:45,333,158, T>A on the plus strand (A>T on the coding strand, the complement: MUTYH is on the minus strand). VCF-style: chr1-45333158-T-A. GRCh37 (hg19) VCF-style: chr1-45798830-T-A.
Other names: c.317A>T, p.Glu106Val (NM_001048171.2, NM_001048173.2, NM_001293195.2); c.320A>T, p.Glu107Val (NM_001048172.2); c.401A>T, p.Glu134Val (NM_001128425.2); c.362A>T, p.Glu121Val (NM_001293190.2); c.350A>T, p.Glu117Val (NM_001293191.2); c.41A>T, p.Glu14Val (NM_001293192.2, NM_001293196.2); c.392A>T, p.Glu131Val (NM_012222.3); c.33+127A>T (NM_001350651.2, NM_001350650.2); short protein forms E134V, E106V, E117V, E131V, E14V, E107V, E121V.
Identifiers: ClinVar variation 220270 (VCV000220270.20), dbSNP rs864622450, ClinGen allele CA350188.
Genomic context (GRCh38, chr1:45,333,158, plus strand): 5'-TGCATCCATCCGGTATAGTAGTTGATCACAGTGGCAACCTGGGTCTGCTGCAGCATGACC[T>A]CTGAGACCCACACTGGGGGAAAGGGGTTGGCATGAGGACACTGCTGACCTGCCCCTACCT-3'
Protein context (NP_001041639.1, residues 96-116): DRRAYAVWVS[Glu106Val]VMLQQTQVAT

ClinVar aggregate classification (germline): Conflicting classifications of pathogenicity. Review status: criteria provided, conflicting classifications (1 of 4 stars). 5 submissions from 5 submitters: Pathogenic (1); Likely pathogenic (1); Uncertain significance (3). Last evaluated 2026-09-06.

Conditions:
Hereditary cancer-predisposing syndrome. Also called: Hereditary Cancer Syndrome; Tumor predisposition; Hereditary neoplastic syndrome; Neoplastic Syndromes, Hereditary. Identifiers: Orphanet 140162, MedGen C0027672, MeSH D009386, MONDO:0015356.
Familial adenomatous polyposis 2. Also called: MUTYH-associated polyposis; Adenomas, multiple colorectal; FAP type 2; MUTYH Polyposis; COLORECTAL ADENOMATOUS POLYPOSIS, AUTOSOMAL RECESSIVE; ADENOMAS, MULTIPLE COLORECTAL, AUTOSOMAL RECESSIVE. Identifiers: Orphanet 220460, Orphanet 247798, MedGen C3272841, MONDO:0012041, OMIM 608456.

Submissions (5):

Ambry Genetics
Classification: Pathogenic for Hereditary cancer-predisposing syndrome. Last evaluated: 2026-09-06. Review status: criteria provided, single submitter. Criteria: Ambry Variant Classification Scheme 2023. Collection method: clinical testing. Allele origin: germline.
Comment: The p.E134V pathogenic mutation (also known as c.401A>T), located in coding exon 5 of the MUTYH gene, results from an A to T substitution at nucleotide position 401. The glutamic acid at codon 134 is replaced by valine, an amino acid with dissimilar properties. In a massively parallel cell-based functional assay testing 7,8-dihydro-8-oxoguanine:adenine (8OG:A) repair activity, a byproduct of oxidative damage, this variant was reported to be non-functional (Hemker SL et al. Am J Hum Genet, 2025 Sep;112:2010-2026). Based on an internal structural analysis, this alteration eliminates a functionally critical interaction in base excision repair responsible for identifying and removing adenine from the substrate (Lee S et al. Proc. Natl. Acad. Sci. U.S.A., 2009 Nov;106:18497-502; Luncsford PJ et al. J. Mol. Biol., 2010 Oct;403:351-70). This amino acid position is highly conserved in available vertebrate species. In addition, this alteration is predicted to be deleterious by in silico analysis. This variant was not reported in population-based cohorts in the Genome Aggregation Database (gnomAD). Based on the supporting evidence, this variant is interpreted as a disease-causing mutation.

Myriad Genetics, Inc.
Classification: Likely pathogenic for Familial adenomatous polyposis 2. Last evaluated: 2026-07-09. Review status: criteria provided, single submitter. Criteria: Myriad Autosomal Dominant, Autosomal Recessive and X-Linked Classification Criteria (2023). Collection method: clinical testing. Allele origin: unknown.
Comment: This variant is considered likely pathogenic. Functional studies indicate this variant impacts protein function [PMID: 40738107]. This variant is expected to disrupt protein structure [Myriad internal data].

Labcorp Genetics (formerly Invitae), Labcorp
Classification: Uncertain significance for Familial adenomatous polyposis 2. Last evaluated: 2024-12-15. Review status: criteria provided, single submitter. Criteria: Invitae Variant Classification Sherloc (09022015). Collection method: clinical testing. Allele origin: germline.
Comment: This sequence change replaces glutamic acid, which is acidic and polar, with valine, which is neutral and non-polar, at codon 134 of the MUTYH protein (p.Glu134Val). This variant is not present in population databases (gnomAD no frequency). This variant has not been reported in the literature in individuals affected with MUTYH-related conditions. ClinVar contains an entry for this variant (Variation ID: 220270). An algorithm developed to predict the effect of missense changes on protein structure and function (PolyPhen-2) suggests that this variant is likely to be disruptive. In summary, the available evidence is currently insufficient to determine the role of this variant in disease. Therefore, it has been classified as a Variant of Uncertain Significance.

All of Us Research Program, National Institutes of Health
Classification: Uncertain significance for Familial adenomatous polyposis 2. Last evaluated: 2024-04-16. Review status: criteria provided, single submitter. Criteria: ACMG Guidelines, 2015. Collection method: clinical testing. Allele origin: germline. Inheritance: Autosomal recessive inheritance. Observed: 1 variant allele, 1 heterozygote.
Comment: This missense variant replaces glutamic acid with valine at codon 134 of the MUTYH protein. Computational prediction suggests that this variant may have deleterious impact on protein structure and function (internally defined REVEL score threshold >= 0.7, PMID: 27666373). To our knowledge, functional studies have not been reported for this variant. This variant has not been reported in individuals affected with hereditary cancer in the literature. This variant has not been identified in the general population by the Genome Aggregation Database (gnomAD). The available evidence is insufficient to determine the role of this variant in disease conclusively. Therefore, this variant is classified as a Variant of Uncertain Significance.

This study involves interpretation of variants in research participants for the purpose of population health screening. Participant phenotype was not available at the time of variant classification. Additional details can be found in publication PMID: 35346344, PMCID: PMC8962531

Color Diagnostics, LLC DBA Color Health
Classification: Uncertain significance for Hereditary cancer-predisposing syndrome. Last evaluated: 2020-09-04. Review status: criteria provided, single submitter. Criteria: ACMG Guidelines, 2015. Collection method: clinical testing. Allele origin: germline.
Comment: This missense variant replaces glutamic acid with valine at codon 134 of the MUTYH protein. Computational prediction suggests that this variant may have deleterious impact on protein structure and function (internally defined REVEL score threshold >= 0.7, PMID: 27666373). To our knowledge, functional studies have not been reported for this variant. This variant has not been reported in individuals affected with hereditary cancer in the literature. This variant has not been identified in the general population by the Genome Aggregation Database (gnomAD). The available evidence is insufficient to determine the role of this variant in disease conclusively. Therefore, this variant is classified as a Variant of Uncertain Significance.

Literature cited by the submitters: PubMed 19841264 (cited by Ambry Genetics); PubMed 20816984 (cited by Ambry Genetics); PubMed 40738107 (cited by Ambry Genetics and Myriad Genetics, Inc.).